The following is an entry in ClinVar:

NM_006218.4(PIK3CA):c.1664+3A>G

Gene: PIK3CA (phosphatidylinositol-4,5-bisphosphate 3-kinase catalytic subunit alpha; plus strand). Cytogenetic location: 3q26.32.
Variant type: single nucleotide variant.
Coding change: c.1664+3A>G on transcript NM_006218.4 (MANE Select); 3 bases into the intron after coding-DNA position 1664, A replaced by G.
Molecular consequence: intron variant.
Genome position (GRCh38, 1-based): chr3:179,218,337, A>G. VCF-style: chr3-179218337-A-G. GRCh37 (hg19) VCF-style: chr3-178936125-A-G.
Identifiers: ClinVar variation 1498242 (VCV001498242.6), dbSNP rs769124869, ClinGen allele CA2573136779.

ClinVar aggregate classification (germline): Uncertain significance (1 of 4 stars; one submission).

Conditions:
Cowden syndrome (CS). Also called: Cowden's disease; Cowden's syndrome; Cowden disease. Identifiers: Orphanet 201, MedGen C0018553, MONDO:0016063. Disease mechanism: gain of function.

Submission:

Labcorp Genetics (formerly Invitae), Labcorp
Classification: Uncertain significance for Cowden syndrome. Last evaluated: 2021-05-25. Review status: criteria provided, single submitter. Criteria: Invitae Variant Classification Sherloc (09022015). Collection method: clinical testing. Allele origin: germline.
Comment: In summary, the available evidence is currently insufficient to determine the role of this variant in disease. Therefore, it has been classified as a Variant of Uncertain Significance. Nucleotide substitutions within the consensus splice site are a relatively common cause of aberrant splicing (PMID: 17576681, 9536098). Algorithms developed to predict the effect of sequence changes on RNA splicing suggest that this variant is not likely to affect RNA splicing, but this prediction has not been confirmed by published transcriptional studies. This variant has not been reported in the literature in individuals with PIK3CA-related conditions. This variant is not present in population databases (ExAC no frequency). This sequence change falls in intron 10 of the PIK3CA gene. It does not directly change the encoded amino acid sequence of the PIK3CA protein. It affects a nucleotide within the consensus splice site of the intron.

Literature cited by the submitters: PubMed 17576681; PubMed 9536098.